The following is an entry in ClinVar:

ClinVar aggregate classification (germline): Uncertain significance (1 of 4 stars; one submission).

Submission:

GeneDx
Classification: Uncertain significance. Last evaluated: 2019-05-26. Review status: criteria provided, single submitter. Criteria: GeneDx Variant Classification Process June 2021. Collection method: clinical testing. Allele origin: germline. Affected: yes.
Comment: Has not been previously published as pathogenic or benign to our knowledge; Not observed in large population cohorts (Lek et al., 2016); Frameshift variant predicted to result in protein truncation or nonsense mediated decay in a gene for which loss-of-function is not a known mechanism of disease

NM_004612.4(TGFBR1):c.766dup (p.His256fs)

Gene: TGFBR1 (transforming growth factor beta receptor 1; plus strand). Cytogenetic location: 9q22.33.
Variant type: Duplication.
Coding change: c.766dup on transcript NM_004612.4 (MANE Select); coding-DNA position 766, one base duplicated (C; older notation c.766dupC).
Protein change: p.His256fs; shifts the reading frame from histidine 256.
Molecular consequence: frameshift variant.
Genome position (GRCh38, 1-based): chr9:99,138,050, C duplicated. VCF-style (leftmost placement, unchanged base first): chr9-99138049-T-TC. GRCh37 (hg19) VCF-style: chr9-101900331-T-TC.
Other names: c.766dupC (NM_004612.2); c.535dup, p.His179fs (NM_001130916.3); c.778dup, p.His260fs (NM_001306210.2); short protein forms H260fs, H256fs, H179fs.
Identifiers: ClinVar variation 523989 (VCV000523989.4), dbSNP rs1554700665, ClinGen allele CA658797255.